The following is an entry in ClinVar:

ClinVar aggregate classification (germline): Conflicting classifications of pathogenicity. Review status: criteria provided, conflicting classifications (1 of 4 stars). 2 submissions from 2 submitters: Uncertain significance (1); Likely benign (1). Last evaluated 2025-06-12.

Conditions:
Inborn genetic diseases. Identifiers: MedGen C0950123, MeSH D030342.

Allele frequency attached by ClinVar (database versions not stated): TOPMed below 0.00001; gnomAD 0.00003; gnomAD exomes 0.00003; ExAC 0.00006; 1000 Genomes Project 30x 0.00016; 1000 Genomes Project 0.00020.
gnomAD v4.1: 55 of 1,614,228 alleles (0.0034%); highest among the groups gnomAD compares: South Asian, 0.053%; no homozygotes.

Submissions (2):

Ambry Genetics
Classification: Likely benign for Inborn genetic diseases. Last evaluated: 2025-06-12. Review status: criteria provided, single submitter. Criteria: Ambry Variant Classification Scheme 2023. Collection method: clinical testing. Allele origin: germline.

Labcorp Genetics (formerly Invitae), Labcorp
Classification: Uncertain significance. Last evaluated: 2023-03-26. Review status: criteria provided, single submitter. Criteria: Invitae Variant Classification Sherloc (09022015). Collection method: clinical testing. Allele origin: germline.
Comment: In summary, the available evidence is currently insufficient to determine the role of this variant in disease. Therefore, it has been classified as a Variant of Uncertain Significance. Algorithms developed to predict the effect of missense changes on protein structure and function output the following: SIFT: "Not Available"; PolyPhen-2: "Benign"; Align-GVGD: "Not Available". The cysteine amino acid residue is found in multiple mammalian species, which suggests that this missense change does not adversely affect protein function. This variant has not been reported in the literature in individuals affected with KIDINS220-related conditions. This variant is present in population databases (rs529873727, gnomAD 0.05%). This sequence change replaces tyrosine, which is neutral and polar, with cysteine, which is neutral and slightly polar, at codon 1674 of the KIDINS220 protein (p.Tyr1674Cys).

NM_020738.4(KIDINS220):c.5021A>G (p.Tyr1674Cys)

Gene: KIDINS220 (kinase D interacting substrate 220; minus strand). Cytogenetic location: 2p25.1.
Variant type: single nucleotide variant.
Coding change: c.5021A>G on transcript NM_020738.4 (MANE Select); coding-DNA position 5021, A replaced by G.
Protein change: p.Tyr1674Cys; replaces tyrosine 1674 with cysteine.
Molecular consequence: missense variant. On other transcripts: intron variant (6).
Genome position (GRCh38, 1-based): chr2:8,731,015, T>C on the plus strand (A>G on the coding strand, the complement: KIDINS220 is on the minus strand). VCF-style: chr2-8731015-T-C. GRCh37 (hg19) VCF-style: chr2-8871145-T-C.
Other names: c.5021A>G (NM_020738.2); c.5024A>G, p.Tyr1675Cys (NM_001348729.2); c.4967A>G, p.Tyr1656Cys (NM_001348731.2); c.4964A>G, p.Tyr1655Cys (NM_001348732.2); c.4853A>G, p.Tyr1618Cys (NM_001348734.2); c.4850A>G, p.Tyr1617Cys (NM_001348735.2); c.4724A>G, p.Tyr1575Cys (NM_001348736.2); c.3882+2429A>G (NM_001348741.2, NM_001348742.2, NM_001348743.2); and 2 more; short protein forms Y1575C, Y1618C, Y1655C, Y1656C, Y1675C, Y1617C, Y1674C.
Identifiers: ClinVar variation 2884629 (VCV002884629.4), dbSNP rs529873727, ClinGen allele CA1519265.
Genomic context (GRCh38, chr2:8,731,015, plus strand): 5'-CTGTTGGCTGGAGCACTATTGTTGTTCAGAGTCACGGTGCTGGGAGTTCGGTTCAGGTTG[T>C]AGGCTTTCTGGCATGCAGGCCAGTTTTCTTCAGGGCTGCTGGCTATCAAGCTGCATTCGG-3'
Protein context (NP_065789.1, residues 1664-1684): EENWPACQKA[Tyr1674Cys]NLNRTPSTVT